The following is an entry in ClinVar:

ClinVar aggregate classification (germline): Likely pathogenic. Review status: criteria provided, multiple submitters, no conflicts (2 of 4 stars). 2 submissions from 2 submitters: Likely pathogenic (2). Last evaluated 2025-09-03.

Conditions:
ABCC6-related disorder. Also called: ABCC6-related condition.
Autosomal recessive inherited pseudoxanthoma elasticum (PXE). Identifiers: Orphanet 758, MedGen CN032334, MONDO:0009925, OMIM 264800.

Submissions (2):

Variantyx, Inc.
Classification: Likely pathogenic for Autosomal recessive inherited pseudoxanthoma elasticum. Last evaluated: 2025-09-03. Review status: criteria provided, single submitter. Criteria: Variantyx Assertion Criteria 2022. Collection method: clinical testing. Allele origin: germline. Inheritance: Autosomal recessive inheritance. Affected: no.
Comment: This is a nonsense variant in the ABCC6 gene (OMIM: 603234). Pathogenic variants in this gene have been associated with autosomal recessive pseudoxanthoma elasticum. This variant introduces a premature termination codon in exon 8 out of 31 and is expected to result in loss of function, which is a known disease mechanism for ABCC6 in this disorder (PMID: 19929409, 28102862) (PVS1). This variant is absent from control populations (PM2), and it has not been reported in individuals with ABCC6-related disorders in the databases available for review. Based on the current evidence, this variant is classified as likely pathogenic for autosomal recessive pseudoxanthoma elasticum.

Blueprint Genetics
Classification: Likely pathogenic for ABCC6-related disorders. Last evaluated: 2020-03-12. Review status: criteria provided, single submitter. Criteria: ACMG Guidelines, 2015. Collection method: clinical testing. Allele origin: germline. Affected: yes. Observed: 1 variant allele.

Literature cited by the submitters: PubMed 19929409 (cited by Variantyx, Inc.); PubMed 28102862 (cited by Variantyx, Inc.).

NM_001171.6(ABCC6):c.988A>T (p.Lys330Ter)

Gene: ABCC6 (ATP binding cassette subfamily C member 6; minus strand). Cytogenetic location: 16p13.11.
Variant type: single nucleotide variant.
Coding change: c.988A>T on transcript NM_001171.6 (MANE Select); coding-DNA position 988, A replaced by T.
Protein change: p.Lys330Ter; replaces lysine 330 with a stop codon.
Molecular consequence: nonsense. On other transcripts: non-coding transcript variant (4).
Genome position (GRCh38, 1-based): chr16:16,203,420, T>A on the plus strand (A>T on the coding strand, the complement: ABCC6 is on the minus strand). VCF-style: chr16-16203420-T-A. GRCh37 (hg19) VCF-style: chr16-16297277-T-A.
Other names: c.646A>T, p.Lys216Ter (NM_001351800.1); c.988A>T, p.Lys330Ter (NM_001440309.1, NM_001440310.1); short protein forms K216*, K330*.
Identifiers: ClinVar variation 4850038 (VCV004850038.2).